The following is an entry in ClinVar:

NM_000049.4(ASPA):c.634+2T>A

Genes: ASPA (aspartoacylase; plus strand), SPATA22 (spermatogenesis associated 22; minus strand). Cytogenetic location: 17p13.2.
Variant type: single nucleotide variant.
Coding change: c.634+2T>A on transcript NM_000049.4 (MANE Select); the canonical splice donor site of the intron after coding-DNA position 634, T replaced by A.
Molecular consequence: splice donor variant. On other transcripts: intron variant (2).
Genome position (GRCh38, 1-based): chr17:3,489,344, T>A. VCF-style: chr17-3489344-T-A. GRCh37 (hg19) VCF-style: chr17-3392638-T-A.
Other names: c.-73-19946A>T (NM_001321336.2, NM_001321337.2); c.634+2T>A (NM_001128085.1).
Identifiers: ClinVar variation 4062374 (VCV004062374.1).

ClinVar aggregate classification (germline): Pathogenic (1 of 4 stars; one submission).

Conditions:
Spongy degeneration of central nervous system. Also called: ACY2 DEFICIENCY; AMINOACYLASE 2 DEFICIENCY; ASP DEFICIENCY; ASPA DEFICIENCY; ASPARTOACYLASE DEFICIENCY; CANAVAN-VAN BOGAERT-BERTRAND DISEASE. Identifiers: Orphanet 141, MedGen C0206307, MONDO:0010079, OMIM 271900.

Submission:

Natera, Inc.
Classification: Pathogenic for Canavan Disease. Last evaluated: 2025-01-23. Review status: criteria provided, single submitter. Criteria: Natera Variant Classification Schema (03/2026). Collection method: clinical testing. Allele origin: germline.
Comment: The c.634+2T>A variant in ASPA is a canonical splice donor site variant predicted to affect pre-mRNA splicing, which may result in an abnormal transcript and altered protein product. This variant is expected to result in nonsense mediated decay, truncation, or a dysfunctional protein product. This variant is rare in the general population with a frequency below the threshold expected for the associated phenotype(s). Another variant at this same site results in an alteration predicted to cause a similar molecular effect has been observed in individual(s) with the associated phenotype. Given the available evidence, this variant is classified as Pathogenic.